The following is an entry in ClinVar:

NM_007347.5(AP4E1):c.1815C>T (p.Ser605=)

Gene: AP4E1 (adaptor related protein complex 4 subunit epsilon 1; plus strand). Cytogenetic location: 15q21.2.
Variant type: single nucleotide variant.
Coding change: c.1815C>T on transcript NM_007347.5 (MANE Select); coding-DNA position 1815, C replaced by T.
Protein change: p.Ser605=; no amino-acid change (serine 605 retained).
Molecular consequence: synonymous variant.
Genome position (GRCh38, 1-based): chr15:50,958,758, C>T. VCF-style: chr15-50958758-C-T. GRCh37 (hg19) VCF-style: chr15-51250955-C-T.
Other names: c.1590C>T, p.Ser530= (NM_001252127.2).
Identifiers: ClinVar variation 458247 (VCV000458247.13), dbSNP rs759539551, ClinGen allele CA7559159.

ClinVar aggregate classification (germline): Benign. Review status: criteria provided, single submitter (1 of 4 stars). 2 submissions from 2 submitters: Benign (1). 1 of the submissions does not count toward it. Last evaluated 2026-01-15.

Conditions:
AP4E1-related disorder. Also called: AP4E1-related condition.
Spastic paraplegia. Identifiers: MedGen C0037772, HP:0001258.

Allele frequency attached by ClinVar (database versions not stated): gnomAD exomes 0.00007 and 0.00035; gnomAD 0.00011 and 0.00012; TOPMed 0.00019; ExAC 0.00025.
gnomAD v4.1: 117 of 1,614,002 alleles (0.0072%); highest among the groups gnomAD compares: Admixed American, 0.19%; 2 homozygotes.

Submissions (2):

Labcorp Genetics (formerly Invitae), Labcorp
Classification: Benign for Spastic paraplegia. Last evaluated: 2026-01-15. Review status: criteria provided, single submitter. Criteria: Invitae Variant Classification Sherloc (09022015). Collection method: clinical testing. Allele origin: germline.

PreventionGenetics, part of Exact Sciences
Classification: Likely benign for AP4E1-related condition. Last evaluated: 2019-05-08. Review status: no assertion criteria provided. Collection method: clinical testing. Allele origin: germline. Not counted in ClinVar's aggregate classification.
Comment: This variant is classified as likely benign based on ACMG/AMP sequence variant interpretation guidelines (Richards et al. 2015 PMID: 25741868, with internal and published modifications).